The following is an entry in ClinVar:

NM_002661.5(PLCG2):c.1735C>T (p.Arg579Trp)

Gene: PLCG2 (phospholipase C gamma 2; plus strand). Cytogenetic location: 16q23.3.
Variant type: single nucleotide variant.
Coding change: c.1735C>T on transcript NM_002661.5 (MANE Select); coding-DNA position 1735, C replaced by T.
Protein change: p.Arg579Trp; replaces arginine 579 with tryptophan.
Molecular consequence: missense variant.
Genome position (GRCh38, 1-based): chr16:81,910,521, C>T. VCF-style: chr16-81910521-C-T. GRCh37 (hg19) VCF-style: chr16-81944126-C-T.
Other names: short protein forms R579W.
Identifiers: ClinVar variation 444379 (VCV000444379.48), dbSNP rs1324356186, ClinGen allele CA396900775.

ClinVar aggregate classification (germline): Uncertain significance. Review status: criteria provided, multiple submitters, no conflicts (2 of 4 stars). 2 submissions from 2 submitters: Uncertain significance (2). Last evaluated 2022-07-05.

Conditions:
Familial cold autoinflammatory syndrome 3 (FCAS3). Also called: ANTIBODY DEFICIENCY AND IMMUNE DYSREGULATION, PLCG2-ASSOCIATED; FAMILIAL ATYPICAL COLD URTICARIA. Identifiers: Orphanet 300359, MedGen C3280914, MONDO:0013766, OMIM 614468.

Allele frequency attached by ClinVar (database versions not stated): gnomAD exomes below 0.00001 and 0.00001; TOPMed below 0.00001; gnomAD 0.00001.
gnomAD v4.1: 8 of 1,613,506 alleles (0.0005%); highest among the groups gnomAD compares: South Asian, 0.0055%; no homozygotes.

Submissions (2):

Labcorp Genetics (formerly Invitae), Labcorp
Classification: Uncertain significance for Familial cold autoinflammatory syndrome 3. Last evaluated: 2022-07-05. Review status: criteria provided, single submitter. Criteria: Invitae Variant Classification Sherloc (09022015). Collection method: clinical testing. Allele origin: germline.
Comment: This sequence change replaces arginine, which is basic and polar, with tryptophan, which is neutral and slightly polar, at codon 579 of the PLCG2 protein (p.Arg579Trp). This variant is present in population databases (no rsID available, gnomAD 0.0009%). This variant has not been reported in the literature in individuals affected with PLCG2-related conditions. ClinVar contains an entry for this variant (Variation ID: 444379). Algorithms developed to predict the effect of missense changes on protein structure and function (SIFT, PolyPhen-2, Align-GVGD) all suggest that this variant is likely to be disruptive. Algorithms developed to predict the effect of sequence changes on RNA splicing suggest that this variant may create or strengthen a splice site. In summary, the available evidence is currently insufficient to determine the role of this variant in disease. Therefore, it has been classified as a Variant of Uncertain Significance.

CeGaT Center for Human Genetics Tuebingen
Classification: Uncertain significance. Last evaluated: 2017-04-01. Review status: criteria provided, single submitter. Criteria: CeGaT Center For Human Genetics Tuebingen Variant Classification Criteria Version 2. Collection method: clinical testing. Allele origin: germline. Affected: yes. Observed: 1 variant allele.